The following is an entry in ClinVar:

NM_001369.3(DNAH5):c.1419_1420insCTTCGATTGTG (p.Glu474fs)

Gene: DNAH5 (dynein axonemal heavy chain 5; minus strand). Cytogenetic location: 5p15.2.
Variant type: Insertion.
Coding change: c.1419_1420insCTTCGATTGTG on transcript NM_001369.3 (MANE Select); coding-DNA positions 1419 to 1420, CTTCGATTGTG inserted.
Protein change: p.Glu474fs; shifts the reading frame from glutamic acid 474.
Molecular consequence: frameshift variant.
Genome position: GRCh38 VCF-style: chr5-13913859-C-CCACAATCGAAG. GRCh37 (hg19) VCF-style: chr5-13913968-C-CCACAATCGAAG.
Other names: short protein forms E474fs.
Identifiers: ClinVar variation 5010678 (VCV005010678.1).
Genomic context (GRCh38, chr5:13,913,859, plus strand): 5'-AATACGTCTTGAGGGTTGTAAAGATGTCTATTATCTTGGCAAGGCGTCGGTGAAAAGTTT[C>CCACAATCGAAG]GAATTTTCCAAAAATATACATCTCGCTAAAATCAAATTGTTTTGCATTTGGATTTTGTTT-3'

ClinVar aggregate classification (germline): Pathogenic (1 of 4 stars; one submission).

Conditions:
Primary ciliary dyskinesia 3. Identifiers: Orphanet 244, MedGen C1837618, MONDO:0012085, OMIM 608644.

Submission:

Myriad Genetics, Inc.
Classification: Pathogenic for Primary ciliary dyskinesia 3. Last evaluated: 2024-05-14. Review status: criteria provided, single submitter. Criteria: Myriad Autosomal Dominant, Autosomal Recessive and X-Linked Classification Criteria (2023). Collection method: clinical testing. Allele origin: unknown.
Comment: NM_001369.2(DNAH5):c.1419_1420ins11(E474Lfs*14) is expected to be pathogenic in the context of primary ciliary dyskinesia, DNAH5-related. This variant is predicted to lead to an abnormal or absent protein product due to the creation of a premature termination codon in DNAH5, a gene where loss-of-function variants are known to be pathogenic. Please note: this variant was assessed in the context of healthy population screening.